The following is an entry in ClinVar:

NM_004618.5(TOP3A):c.556G>T (p.Val186Phe)

Gene: TOP3A (DNA topoisomerase III alpha; minus strand). Cytogenetic location: 17p11.2.
Variant type: single nucleotide variant.
Coding change: c.556G>T on transcript NM_004618.5 (MANE Select); coding-DNA position 556, G replaced by T.
Protein change: p.Val186Phe; replaces valine 186 with phenylalanine.
Molecular consequence: missense variant.
Genome position (GRCh38, 1-based): chr17:18,302,667, C>A on the plus strand (G>T on the coding strand, the complement: TOP3A is on the minus strand). VCF-style: chr17-18302667-C-A. GRCh37 (hg19) VCF-style: chr17-18205981-C-A.
Other names: c.271G>T, p.Val91Phe (NM_001320759.2); short protein forms V186F, V91F.
Identifiers: ClinVar variation 4070593 (VCV004070593.1).

ClinVar aggregate classification (germline): Likely pathogenic (1 of 4 stars; one submission).

Submission:

GeneDx
Classification: Likely pathogenic. Last evaluated: 2025-01-16. Review status: criteria provided, single submitter. Criteria: GeneDx Variant Classification Process June 2021. Collection method: clinical testing. Allele origin: germline. Affected: yes.
Comment: Not observed at significant frequency in large population cohorts (gnomAD); In silico analysis supports that this missense variant has a deleterious effect on protein structure/function; Has not been previously published as pathogenic or benign to our knowledge